The following is an entry in ClinVar:

NM_024649.5(BBS1):c.591+7C>G

Gene: BBS1 (Bardet-Biedl syndrome 1; plus strand). Cytogenetic location: 11q13.2.
Variant type: single nucleotide variant.
Coding change: c.591+7C>G on transcript NM_024649.5 (MANE Select); 7 bases into the intron after coding-DNA position 591, C replaced by G.
Molecular consequence: intron variant.
Genome position (GRCh38, 1-based): chr11:66,515,940, C>G. VCF-style: chr11-66515940-C-G. GRCh37 (hg19) VCF-style: chr11-66283411-C-G.
Other names: c.591+7C>G (NM_024649.4).
Identifiers: ClinVar variation 1117511 (VCV001117511.10), dbSNP rs1407448709, ClinGen allele CA2499221200.

ClinVar aggregate classification (germline): Likely benign. Review status: criteria provided, multiple submitters, no conflicts (2 of 4 stars). 2 submissions from 2 submitters: Likely benign (2). Last evaluated 2026-03-19.

Conditions:
BBS1-related disorder. Also called: BBS1-related condition.
Bardet-Biedl syndrome (BBS). Identifiers: Orphanet 110, MedGen C0752166, MONDO:0015229.

gnomAD v4.1: 12 of 1,613,788 alleles (0.00074%); highest among the groups gnomAD compares: South Asian, 0.0011%; no homozygotes.

Submissions (2):

PreventionGenetics, part of Exact Sciences
Classification: Likely benign for BBS1-related condition. Last evaluated: 2026-03-19. Review status: criteria provided, single submitter. Criteria: ACMG Guidelines, 2015. Collection method: clinical testing. Allele origin: germline.
Comment: This variant is classified as likely benign based on ACMG/AMP sequence variant interpretation guidelines (Richards et al. 2015 PMID: 25741868, with internal and published modifications).

Labcorp Genetics (formerly Invitae), Labcorp
Classification: Likely benign for Bardet-Biedl syndrome. Last evaluated: 2025-07-28. Review status: criteria provided, single submitter. Criteria: Invitae Variant Classification Sherloc (09022015). Collection method: clinical testing. Allele origin: germline.